The following is an entry in ClinVar:

ClinVar aggregate classification (germline): Uncertain significance. Review status: criteria provided, multiple submitters, no conflicts (2 of 4 stars). 2 submissions from 2 submitters: Uncertain significance (2). Last evaluated 2025-04-10.

Conditions:
Epileptic encephalopathy. Identifiers: MedGen C0543888, HP:0200134.

Allele frequency attached by ClinVar (database versions not stated): ExAC 0.00002; gnomAD exomes 0.00002 and 0.00003; TOPMed 0.00003; gnomAD 0.00005.
gnomAD v4.1: 50 of 1,613,538 alleles (0.0031%); highest among the groups gnomAD compares: African/African-American, 0.004%; no homozygotes.

Submissions (2):

Ambry Genetics
Classification: Uncertain significance. Last evaluated: 2025-04-10. Review status: criteria provided, single submitter. Criteria: Ambry Variant Classification Scheme 2023. Collection method: clinical testing. Allele origin: germline.

Labcorp Genetics (formerly Invitae), Labcorp
Classification: Uncertain significance for Epileptic encephalopathy. Last evaluated: 2024-02-17. Review status: criteria provided, single submitter. Criteria: Invitae Variant Classification Sherloc (09022015). Collection method: clinical testing. Allele origin: germline.
Comment: This sequence change replaces asparagine, which is neutral and polar, with serine, which is neutral and polar, at codon 2959 of the RYR3 protein (p.Asn2959Ser). This variant is present in population databases (rs749674166, gnomAD 0.008%). This variant has not been reported in the literature in individuals affected with RYR3-related conditions. ClinVar contains an entry for this variant (Variation ID: 658472). Advanced modeling of protein sequence and biophysical properties (such as structural, functional, and spatial information, amino acid conservation, physicochemical variation, residue mobility, and thermodynamic stability) performed at Invitae indicates that this missense variant is not expected to disrupt RYR3 protein function with a negative predictive value of 80%. In summary, the available evidence is currently insufficient to determine the role of this variant in disease. Therefore, it has been classified as a Variant of Uncertain Significance.

NM_001036.6(RYR3):c.8876A>G (p.Asn2959Ser)

Gene: RYR3 (ryanodine receptor 3; plus strand). Cytogenetic location: 15q14.
Variant type: single nucleotide variant.
Coding change: c.8876A>G on transcript NM_001036.6 (MANE Select); coding-DNA position 8876, A replaced by G.
Protein change: p.Asn2959Ser; replaces asparagine 2959 with serine.
Molecular consequence: missense variant.
Genome position (GRCh38, 1-based): chr15:33,771,979, A>G. VCF-style: chr15-33771979-A-G. GRCh37 (hg19) VCF-style: chr15-34064180-A-G.
Other names: c.8876A>G, p.Asn2959Ser (NM_001243996.4); c.8876A>G (NM_001036.3); short protein forms N2959S.
Identifiers: ClinVar variation 658472 (VCV000658472.12), dbSNP rs749674166, ClinGen allele CA7460361.